The following is an entry in ClinVar:

NM_000884.3(IMPDH2):c.691C>T (p.Arg231Trp)

Gene: IMPDH2 (inosine monophosphate dehydrogenase 2; minus strand). Cytogenetic location: 3p21.31.
Variant type: single nucleotide variant.
Coding change: c.691C>T on transcript NM_000884.3 (MANE Select); coding-DNA position 691, C replaced by T.
Protein change: p.Arg231Trp; replaces arginine 231 with tryptophan.
Molecular consequence: missense variant.
Genome position (GRCh38, 1-based): chr3:49,026,815, G>A on the plus strand (C>T on the coding strand, the complement: IMPDH2 is on the minus strand). VCF-style: chr3-49026815-G-A. GRCh37 (hg19) VCF-style: chr3-49064248-G-A.
Other names: c.691C>T, p.Arg231Trp (NM_001410759.1); c.616C>T, p.Arg206Trp (NM_001410760.1, NM_001410761.1); short protein forms R206W, R231W.
Identifiers: ClinVar variation 4536264 (VCV004536264.1).

ClinVar aggregate classification (germline): Uncertain significance (1 of 4 stars; one submission).

Submission:

GeneDx
Classification: Uncertain significance. Last evaluated: 2025-06-03. Review status: criteria provided, single submitter. Criteria: GeneDx Variant Classification Process June 2021. Collection method: clinical testing. Allele origin: germline. Affected: yes.
Comment: Not observed at significant frequency in large population cohorts (gnomAD); In silico analysis supports that this missense variant has a deleterious effect on protein structure/function; Has not been previously published as pathogenic or benign to our knowledge